The following is an entry in ClinVar:

NM_001006630.2(CHRM2):c.486G>T (p.Trp162Cys)

Genes: CHRM2 (cholinergic receptor muscarinic 2; plus strand), LOC349160 (uncharacterized LOC349160; minus strand). Cytogenetic location: 7q33.
Variant type: single nucleotide variant.
Coding change: c.486G>T on transcript NM_001006630.2 (MANE Select); coding-DNA position 486, G replaced by T.
Protein change: p.Trp162Cys; replaces tryptophan 162 with cysteine.
Molecular consequence: missense variant.
Genome position (GRCh38, 1-based): chr7:137,015,351, G>T. VCF-style: chr7-137015351-G-T. GRCh37 (hg19) VCF-style: chr7-136700098-G-T.
Other names: c.486G>T, p.Trp162Cys (NM_000739.3, NM_001006626.3, NM_001006627.3 and 6 more transcripts); short protein forms W162C.
Identifiers: ClinVar variation 1461868 (VCV001461868.8), dbSNP rs2131132222, ClinGen allele CA369486603.

ClinVar aggregate classification (germline): Uncertain significance (1 of 4 stars; one submission).

Submission:

Labcorp Genetics (formerly Invitae), Labcorp
Classification: Uncertain significance. Last evaluated: 2021-04-29. Review status: criteria provided, single submitter. Criteria: Invitae Variant Classification Sherloc (09022015). Collection method: clinical testing. Allele origin: germline.
Comment: Algorithms developed to predict the effect of missense changes on protein structure and function (SIFT, PolyPhen-2, Align-GVGD) all suggest that this variant is likely to be disruptive, but these predictions have not been confirmed by published functional studies and their clinical significance is uncertain. In summary, the available evidence is currently insufficient to determine the role of this variant in disease. Therefore, it has been classified as a Variant of Uncertain Significance. This variant has not been reported in the literature in individuals with CHRM2-related conditions. This variant is not present in population databases (ExAC no frequency). This sequence change replaces tryptophan with cysteine at codon 162 of the CHRM2 protein (p.Trp162Cys). The tryptophan residue is highly conserved and there is a large physicochemical difference between tryptophan and cysteine.